The following is an entry in ClinVar:

ClinVar aggregate classification (germline): Uncertain significance. Review status: criteria provided, multiple submitters, no conflicts (2 of 4 stars). 2 submissions from 2 submitters: Uncertain significance (2). Last evaluated 2025-12-15.

Conditions:
Hereditary cancer-predisposing syndrome. Also called: Hereditary neoplastic syndrome; Tumor predisposition; Neoplastic Syndromes, Hereditary; Hereditary Cancer Syndrome. Identifiers: Orphanet 140162, MedGen C0027672, MeSH D009386, MONDO:0015356.
Tuberous sclerosis 1 (TSC1). Identifiers: Orphanet 805, MedGen C1854465, MONDO:0008612, OMIM 191100.

Allele frequency attached by ClinVar (database versions not stated): gnomAD exomes below 0.00001; TOPMed 0.00001.
gnomAD v4.1: 1 of 1,614,194 alleles (0.000062%); highest among the groups gnomAD compares: Non-Finnish European, 0.000085%; no homozygotes.

Submissions (2):

Labcorp Genetics (formerly Invitae), Labcorp
Classification: Uncertain significance for Tuberous sclerosis 1. Last evaluated: 2025-12-15. Review status: criteria provided, single submitter. Criteria: Invitae Variant Classification Sherloc (09022015). Collection method: clinical testing. Allele origin: germline.
Comment: This sequence change replaces aspartic acid, which is acidic and polar, with glycine, which is neutral and non-polar, at codon 1136 of the TSC1 protein (p.Asp1136Gly). This variant is not present in population databases (gnomAD no frequency). This variant has not been reported in the literature in individuals affected with TSC1-related conditions. ClinVar contains an entry for this variant (Variation ID: 859214). Invitae Evidence Modeling of protein sequence and biophysical properties (such as structural, functional, and spatial information, amino acid conservation, physicochemical variation, residue mobility, and thermodynamic stability) indicates that this missense variant is not expected to disrupt TSC1 protein function with a negative predictive value of 95%. In summary, the available evidence is currently insufficient to determine the role of this variant in disease. Therefore, it has been classified as a Variant of Uncertain Significance.

Ambry Genetics
Classification: Uncertain significance for Hereditary cancer-predisposing syndrome. Last evaluated: 2024-11-13. Review status: criteria provided, single submitter. Criteria: Ambry Variant Classification Scheme 2023. Collection method: clinical testing. Allele origin: germline.
Comment: The p.D1136G variant (also known as c.3407A>G), located in coding exon 21 of the TSC1 gene, results from an A to G substitution at nucleotide position 3407. The aspartic acid at codon 1136 is replaced by glycine, an amino acid with similar properties. This amino acid position is conserved. In addition, this alteration is predicted to be tolerated by in silico analysis. Since supporting evidence is limited at this time, the clinical significance of this alteration remains unclear.

NM_000368.5(TSC1):c.3407A>G (p.Asp1136Gly)

Gene: TSC1 (TSC complex subunit 1; minus strand). Cytogenetic location: 9q34.13.
Variant type: single nucleotide variant.
Coding change: c.3407A>G on transcript NM_000368.5 (MANE Select); coding-DNA position 3407, A replaced by G.
Protein change: p.Asp1136Gly; replaces aspartic acid 1136 with glycine.
Molecular consequence: missense variant.
Genome position (GRCh38, 1-based): chr9:132,896,323, T>C on the plus strand (A>G on the coding strand, the complement: TSC1 is on the minus strand). VCF-style: chr9-132896323-T-C. GRCh37 (hg19) VCF-style: chr9-135771710-T-C.
Other names: c.3404A>G, p.Asp1135Gly (NM_001162426.2); c.3254A>G, p.Asp1085Gly (NM_001162427.2); c.3044A>G, p.Asp1015Gly (NM_001362177.2); short protein forms D1085G, D1135G, D1015G, D1136G.
Identifiers: ClinVar variation 859214 (VCV000859214.12), dbSNP rs1588286218, ClinGen allele CA375366434.
Genomic context (GRCh38, chr9:132,896,323, plus strand): 5'-TAGTCCATGATATGTAGCTGTCCAACACTGTCCGGGGTCGGGGGAGACGGGTGAGGGCCA[T>C]CTAGGTTCAGGGGAATCTTGGCTTCCACACCCAAGTCTTTGCCCAGTTCTGTCTTTAGGC-3'
Protein context (NP_000359.1, residues 1126-1146): GVEAKIPLNL[Asp1136Gly]GPHPSPPTPD